The following is an entry in ClinVar:

ClinVar aggregate classification (germline): Likely benign. Review status: criteria provided, multiple submitters, no conflicts (2 of 4 stars). 3 submissions from 3 submitters: Likely benign (3). Last evaluated 2023-10-04.

Conditions:
RYR1-related disorder. Also called: RYR1-related condition; RYR1-related disorders. Identifiers: MedGen CN239331.
Malignant hyperthermia, susceptibility to, 1 (MHS1). Also called: RYR1-Related Malignant Hyperthermia Susceptibility; Anesthesia related hyperthermia; Malignant hyperpyrexia; Fulminating hyperpyrexia; Pharmacogenic myopathy; Malignant hyperthermia suceptibility 1. Identifiers: Orphanet 423, MedGen C2930980, MONDO:0007783, OMIM 145600.

Allele frequency attached by ClinVar (database versions not stated): gnomAD exomes below 0.00001; gnomAD 0.00001; TOPMed 0.00002.
gnomAD v4.1: 2 of 1,612,770 alleles (0.00012%); highest among the groups gnomAD compares: Admixed American, 0.0017%; no homozygotes.

Submissions (3):

Labcorp Genetics (formerly Invitae), Labcorp
Classification: Likely benign for RYR1-related disorder. Last evaluated: 2023-10-04. Review status: criteria provided, single submitter. Criteria: Invitae Variant Classification Sherloc (09022015). Collection method: clinical testing. Allele origin: germline.

All of Us Research Program, National Institutes of Health
Classification: Likely benign for Malignant hyperthermia, susceptibility to, 1. Last evaluated: 2023-04-03. Review status: criteria provided, single submitter. Criteria: ACMG Guidelines, 2015. Collection method: clinical testing. Allele origin: germline. Inheritance: Autosomal dominant inheritance. Observed: 1 variant allele, 1 heterozygote.
Comment: This study involves interpretation of variants in research participants for the purpose of population health screening. Participant phenotype was not available at the time of variant classification. Additional details can be found in publication PMID: 35346344, PMCID: PMC8962531

Color Diagnostics, LLC DBA Color Health
Classification: Likely benign for Malignant hyperthermia, susceptibility to, 1. Last evaluated: 2022-11-06. Review status: criteria provided, single submitter. Criteria: ACMG Guidelines, 2015. Collection method: clinical testing. Allele origin: germline.

NM_000540.3(RYR1):c.5379G>A (p.Glu1793=)

Gene: RYR1 (ryanodine receptor 1; plus strand). Cytogenetic location: 19q13.2.
Variant type: single nucleotide variant.
Coding change: c.5379G>A on transcript NM_000540.3 (MANE Select); coding-DNA position 5379, G replaced by A.
Protein change: p.Glu1793=; no amino-acid change (glutamic acid 1793 retained).
Molecular consequence: synonymous variant.
Genome position (GRCh38, 1-based): chr19:38,486,034, G>A. VCF-style: chr19-38486034-G-A. GRCh37 (hg19) VCF-style: chr19-38976674-G-A.
Other names: c.5379G>A, p.Glu1793= (NM_001042723.2).
Identifiers: ClinVar variation 1528650 (VCV001528650.10), dbSNP rs1322394196, ClinGen allele CA507353455.